The following is an entry in ClinVar:

ClinVar aggregate classification (germline): Likely benign. Review status: criteria provided, multiple submitters, no conflicts (2 of 4 stars). 2 submissions from 2 submitters: Likely benign (2). Last evaluated 2025-03-13.

Conditions:
Charcot-Marie-Tooth disease axonal type 2C (HMSN2C). Also called: CHARCOT-MARIE-TOOTH DISEASE, AXONAL, AUTOSOMAL DOMINANT, TYPE 2C; Charcot-Marie-Tooth Neuropathy Type 2C; Charcot-Marie-Tooth Disease Type 2, TRPV4-Related (CMT2C). Identifiers: Orphanet 99937, MedGen C1853710, MONDO:0011633, OMIM 606071.

Allele frequency attached by ClinVar (database versions not stated): ExAC 0.00003; TOPMed 0.00012; gnomAD 0.00009; gnomAD exomes 0.00001 and 0.00003.
gnomAD v4.1: 21 of 1,611,232 alleles (0.0013%); highest among the groups gnomAD compares: African/African-American, 0.028%; no homozygotes.

Submissions (2):

Labcorp Genetics (formerly Invitae), Labcorp
Classification: Likely benign for Charcot-Marie-Tooth disease axonal type 2C. Last evaluated: 2025-03-13. Review status: criteria provided, single submitter. Criteria: Invitae Variant Classification Sherloc (09022015). Collection method: clinical testing. Allele origin: germline.

GeneDx
Classification: Likely benign. Last evaluated: 2017-01-05. Review status: criteria provided, single submitter. Criteria: GeneDx Variant Classification (06012015). Collection method: clinical testing. Allele origin: germline. Affected: yes.
Comment: This variant is considered likely benign or benign based on one or more of the following criteria: it is a conservative change, it occurs at a poorly conserved position in the protein, it is predicted to be benign by multiple in silico algorithms, and/or has population frequency not consistent with disease.

NM_021625.5(TRPV4):c.1491+8C>T

Gene: TRPV4 (transient receptor potential cation channel subfamily V member 4; minus strand). Cytogenetic location: 12q24.11.
Variant type: single nucleotide variant.
Coding change: c.1491+8C>T on transcript NM_021625.5 (MANE Select); 8 bases into the intron after coding-DNA position 1491, C replaced by T.
Molecular consequence: intron variant.
Genome position (GRCh38, 1-based): chr12:109,794,321, G>A on the plus strand (C>T on the coding strand, the complement: TRPV4 is on the minus strand). VCF-style: chr12-109794321-G-A. GRCh37 (hg19) VCF-style: chr12-110232126-G-A.
Other names: c.1311+8C>T (NM_147204.2); c.1389+8C>T (NM_001177431.1); c.1170+8C>T (NM_001177433.1); c.1350+8C>T (NM_001177428.1).
Identifiers: ClinVar variation 392461 (VCV000392461.9), dbSNP rs752455441, ClinGen allele CA6780227.
Genomic context (GRCh38, chr12:109,794,321, plus strand): 5'-TGTGCCCCAGTCCTGCATGGCTCAGCCCAGTGCCTGCCCCAGCCCCTGCCCGGTCCCCGG[G>A]CACTCACTGTGCCCTCCAGCGGCTGGTAGTAGGCGGTGAGAGTGAAGATGACCATGGCAC-3'